The following is an entry in ClinVar:

NM_000092.5(COL4A4):c.3080G>T (p.Gly1027Val)

Gene: COL4A4 (collagen type IV alpha 4 chain; minus strand). Cytogenetic location: 2q36.3.
Variant type: single nucleotide variant.
Coding change: c.3080G>T on transcript NM_000092.5 (MANE Select); coding-DNA position 3080, G replaced by T.
Protein change: p.Gly1027Val; replaces glycine 1027 with valine.
Molecular consequence: missense variant.
Genome position (GRCh38, 1-based): chr2:227,051,047, C>A on the plus strand (G>T on the coding strand, the complement: COL4A4 is on the minus strand). VCF-style: chr2-227051047-C-A. GRCh37 (hg19) VCF-style: chr2-227915763-C-A.
Other names: short protein forms G1027V.
Identifiers: ClinVar variation 3256702 (VCV003256702.1).

ClinVar aggregate classification (germline): Likely pathogenic (1 of 4 stars; one submission).

Conditions:
Autosomal recessive Alport syndrome (ATS2). Also called: ALPORT SYNDROME 2, AUTOSOMAL RECESSIVE; COL4A3-Related Nephropathy; COL4A4 Alport Syndrome and Thin Basement Membrane Nephropathy; Alport syndrome type 2. Identifiers: Orphanet 63, Orphanet 88919, MedGen C4746745, MONDO:0008762, OMIM 203780.

Submission:

MVZ Medizinische Genetik Mainz
Classification: Likely pathogenic for Autosomal recessive Alport syndrome. Last evaluated: 2024-05-08. Review status: criteria provided, single submitter. Criteria: UK Practice Guidelines For Variant Classification V4 01 2020. Collection method: clinical testing. Allele origin: germline. Inheritance: Autosomal dominant inheritance. Observed: 1 variant allele.
Comment: ACMG Criteria: PM1_STR,PM2_SUP,PP3,PP4